The following is an entry in ClinVar:

NM_004655.4(AXIN2):c.1954T>C (p.Ser652Pro)

Gene: AXIN2 (axin 2; minus strand). Cytogenetic location: 17q24.1.
Variant type: single nucleotide variant.
Coding change: c.1954T>C on transcript NM_004655.4 (MANE Select); coding-DNA position 1954, T replaced by C.
Protein change: p.Ser652Pro; replaces serine 652 with proline.
Molecular consequence: missense variant.
Genome position (GRCh38, 1-based): chr17:65,536,507, A>G on the plus strand (T>C on the coding strand, the complement: AXIN2 is on the minus strand). VCF-style: chr17-65536507-A-G. GRCh37 (hg19) VCF-style: chr17-63532625-A-G.
Other names: c.1759T>C, p.Ser587Pro (NM_001363813.1); short protein forms S587P, S652P.
Identifiers: ClinVar variation 1330108 (VCV001330108.12), dbSNP rs917901663, ClinGen allele CA293097838.

ClinVar aggregate classification (germline): Conflicting classifications of pathogenicity. Review status: criteria provided, conflicting classifications (1 of 4 stars). 4 submissions from 4 submitters: Uncertain significance (3); Likely benign (1). Last evaluated 2025-11-23.

Conditions:
Hereditary cancer-predisposing syndrome. Also called: Hereditary Cancer Syndrome; Tumor predisposition; Neoplastic Syndromes, Hereditary; Hereditary neoplastic syndrome. Identifiers: Orphanet 140162, MedGen C0027672, MeSH D009386, MONDO:0015356.
Oligodontia-cancer predisposition syndrome. Also called: TOOTH AGENESIS-COLORECTAL CANCER SYNDROME. Identifiers: Orphanet 300576, MedGen C1837750, MONDO:0012075, OMIM 608615. Disease mechanism: loss of function.

Allele frequency attached by ClinVar (database versions not stated): gnomAD exomes below 0.00001 and 0.00001.
gnomAD v4.1: 15 of 1,613,844 alleles (0.00093%); highest among the groups gnomAD compares: Non-Finnish European, 0.0012%; no homozygotes.

Submissions (4):

Labcorp Genetics (formerly Invitae), Labcorp
Classification: Uncertain significance for Oligodontia-cancer predisposition syndrome. Last evaluated: 2025-11-23. Review status: criteria provided, single submitter. Criteria: Invitae Variant Classification Sherloc (09022015). Collection method: clinical testing. Allele origin: germline.
Comment: This sequence change replaces serine, which is neutral and polar, with proline, which is neutral and non-polar, at codon 652 of the AXIN2 protein (p.Ser652Pro). This variant is present in population databases (no rsID available, gnomAD 0.0009%). This variant has not been reported in the literature in individuals affected with AXIN2-related conditions. ClinVar contains an entry for this variant (Variation ID: 1330108). An algorithm developed to predict the effect of missense changes on protein structure and function outputs the following: PolyPhen-2: "Benign". The proline amino acid residue is found in multiple mammalian species, which suggests that this missense change does not adversely affect protein function. In summary, the available evidence is currently insufficient to determine the role of this variant in disease. Therefore, it has been classified as a Variant of Uncertain Significance.

Ambry Genetics
Classification: Likely benign for Hereditary cancer-predisposing syndrome. Last evaluated: 2025-07-02. Review status: criteria provided, single submitter. Criteria: Ambry Variant Classification Scheme 2023. Collection method: clinical testing. Allele origin: germline.

GeneDx
Classification: Uncertain significance. Last evaluated: 2022-10-27. Review status: criteria provided, single submitter. Criteria: GeneDx Variant Classification Process June 2021. Collection method: clinical testing. Allele origin: germline. Affected: yes.
Comment: Not observed at significant frequency in large population cohorts (gnomAD); In silico analysis supports that this missense variant does not alter protein structure/function; Has not been previously published as pathogenic or benign to our knowledge; This variant is associated with the following publications: (PMID: 15735151)

Quest Diagnostics Nichols Institute San Juan Capistrano
Classification: Uncertain significance. Last evaluated: 2021-04-20. Review status: criteria provided, single submitter. Criteria: Quest Diagnostics criteria. Collection method: clinical testing. Allele origin: unknown.